The following is an entry in ClinVar:

ClinVar aggregate classification (germline): Uncertain significance (1 of 4 stars; one submission).

gnomAD v4.1: 30 of 1,614,236 alleles (0.0019%); highest among the groups gnomAD compares: African/African-American, 0.027%; no homozygotes.

Submission:

GeneDx
Classification: Uncertain significance. Last evaluated: 2025-04-07. Review status: criteria provided, single submitter. Criteria: GeneDx Variant Classification Process June 2021. Collection method: clinical testing. Allele origin: germline. Affected: yes.
Comment: In silico analysis indicates that this missense variant does not alter protein structure/function; Has not been previously published as pathogenic or benign to our knowledge

NM_005149.3(TBX19):c.1277C>T (p.Ser426Leu)

Gene: TBX19 (T-box transcription factor 19; plus strand). Cytogenetic location: 1q24.2.
Variant type: single nucleotide variant.
Coding change: c.1277C>T on transcript NM_005149.3 (MANE Select); coding-DNA position 1277, C replaced by T.
Protein change: p.Ser426Leu; replaces serine 426 with leucine.
Molecular consequence: missense variant.
Genome position (GRCh38, 1-based): chr1:168,312,932, C>T. VCF-style: chr1-168312932-C-T. GRCh37 (hg19) VCF-style: chr1-168282170-C-T.
Other names: short protein forms S426L.
Identifiers: ClinVar variation 4281906 (VCV004281906.1).